The following is an entry in ClinVar:

NM_205768.3(ZBTB18):c.1225C>T (p.Arg409Cys)

Gene: ZBTB18 (zinc finger and BTB domain containing 18; plus strand). Cytogenetic location: 1q44.
Variant type: single nucleotide variant.
Coding change: c.1225C>T on transcript NM_205768.3 (MANE Select); coding-DNA position 1225, C replaced by T.
Protein change: p.Arg409Cys; replaces arginine 409 with cysteine.
Molecular consequence: missense variant. On other transcripts: 3 prime UTR variant (1).
Genome position (GRCh38, 1-based): chr1:244,054,999, C>T. VCF-style: chr1-244054999-C-T. GRCh37 (hg19) VCF-style: chr1-244218301-C-T.
Other names: c.1198C>T, p.Arg400Cys (NM_001278196.2, NM_006352.5); c.*402C>T (NM_001421566.1); short protein forms R409C, R400C.
Identifiers: ClinVar variation 4697938 (VCV004697938.2).

ClinVar aggregate classification (germline): Uncertain significance. Review status: criteria provided, multiple submitters, no conflicts (2 of 4 stars). 2 submissions from 2 submitters: Uncertain significance (2). Last evaluated 2025-03-16.

gnomAD v4.1: 4 of 1,614,104 alleles (0.00025%); highest among the groups gnomAD compares: Non-Finnish European, 0.00025%; no homozygotes.

Submissions (2):

Labcorp Genetics (formerly Invitae), Labcorp
Classification: Uncertain significance. Last evaluated: 2025-03-16. Review status: criteria provided, single submitter. Criteria: Invitae Variant Classification Sherloc (09022015). Collection method: clinical testing. Allele origin: germline.
Comment: This sequence change replaces arginine, which is basic and polar, with cysteine, which is neutral and slightly polar, at codon 409 of the ZBTB18 protein (p.Arg409Cys). This variant is present in population databases (rs761600350, gnomAD 0.004%). This variant has not been reported in the literature in individuals affected with ZBTB18-related conditions. Invitae Evidence Modeling of protein sequence and biophysical properties (such as structural, functional, and spatial information, amino acid conservation, physicochemical variation, residue mobility, and thermodynamic stability) indicates that this missense variant is expected to disrupt ZBTB18 protein function with a positive predictive value of 95%. Experimental studies have shown that this missense change affects ZBTB18 function (PMID: 32598555). In summary, the available evidence is currently insufficient to determine the role of this variant in disease. Therefore, it has been classified as a Variant of Uncertain Significance.

Blueprint Genetics
Classification: Uncertain significance. Last evaluated: 2021-07-19. Review status: criteria provided, single submitter. Criteria: ACMG Guidelines, 2015. Collection method: clinical testing. Allele origin: germline.

Literature cited by the submitters: PubMed 32598555 (cited by Labcorp Genetics (formerly Invitae), Labcorp).